The following is an entry in ClinVar:

NM_000493.4(COL10A1):c.1467C>T (p.Thr489=)

Genes: COL10A1 (collagen type X alpha 1 chain; minus strand), NT5DC1 (5'-nucleotidase domain containing 1; plus strand). Cytogenetic location: 6q22.1.
Variant type: single nucleotide variant.
Coding change: c.1467C>T on transcript NM_000493.4 (MANE Select); coding-DNA position 1467, C replaced by T.
Protein change: p.Thr489=; no amino-acid change (threonine 489 retained).
Molecular consequence: synonymous variant. On other transcripts: intron variant (1).
Genome position (GRCh38, 1-based): chr6:116,120,649, G>A on the plus strand (C>T on the coding strand, the complement: COL10A1 is on the minus strand). VCF-style: chr6-116120649-G-A. GRCh37 (hg19) VCF-style: chr6-116441812-G-A.
Other names: c.1467C>T, p.Thr489= (NM_001424106.1, NM_001424107.1); c.529+2704G>A (NM_152729.3).
Identifiers: ClinVar variation 744492 (VCV000744492.13), dbSNP rs538507496, ClinGen allele CA3968168.

ClinVar aggregate classification (germline): Benign/Likely benign. Review status: criteria provided, multiple submitters, no conflicts (2 of 4 stars). 4 submissions from 4 submitters: Benign (1); Likely benign (2). 1 of the submissions does not count toward it. Last evaluated 2025-12-01.

Conditions:
COL10A1-related disorder. Also called: COL10A1-related condition.

Allele frequency attached by ClinVar (database versions not stated): gnomAD 0.00006 and 0.00007; TOPMed 0.00006; gnomAD exomes 0.00008 and 0.00024; ExAC 0.00022; 1000 Genomes Project 30x 0.00047; 1000 Genomes Project 0.00060.
gnomAD v4.1: 128 of 1,547,494 alleles (0.0083%); highest among the groups gnomAD compares: East Asian, 0.079%; no homozygotes.

Submissions (4):

Women's Health and Genetics/Laboratory Corporation of America, LabCorp
Classification: Likely benign. Last evaluated: 2025-12-01. Review status: criteria provided, single submitter. Criteria: LabCorp Variant Classification Summary - May 2015. Collection method: clinical testing. Allele origin: germline.

Labcorp Genetics (formerly Invitae), Labcorp
Classification: Benign. Last evaluated: 2025-09-16. Review status: criteria provided, single submitter. Criteria: Invitae Variant Classification Sherloc (09022015). Collection method: clinical testing. Allele origin: germline.

Blueprint Genetics
Classification: Likely benign. Last evaluated: 2024-11-13. Review status: criteria provided, single submitter. Criteria: ACMG Guidelines, 2015. Collection method: clinical testing. Allele origin: germline.

PreventionGenetics, part of Exact Sciences
Classification: Likely benign for COL10A1-related condition. Last evaluated: 2019-09-09. Review status: no assertion criteria provided. Collection method: clinical testing. Allele origin: germline. Not counted in ClinVar's aggregate classification.
Comment: This variant is classified as likely benign based on ACMG/AMP sequence variant interpretation guidelines (Richards et al. 2015 PMID: 25741868, with internal and published modifications).